The following is an entry in ClinVar:

NM_000057.4(BLM):c.1655A>T (p.Asp552Val)

Gene: BLM (BLM RecQ like helicase; plus strand). Cytogenetic location: 15q26.1.
Variant type: single nucleotide variant.
Coding change: c.1655A>T on transcript NM_000057.4 (MANE Select); coding-DNA position 1655, A replaced by T.
Protein change: p.Asp552Val; replaces aspartic acid 552 with valine.
Molecular consequence: missense variant.
Genome position (GRCh38, 1-based): chr15:90,761,028, A>T. VCF-style: chr15-90761028-A-T. GRCh37 (hg19) VCF-style: chr15-91304258-A-T.
Other names: c.1655A>T, p.Asp552Val (NM_001287246.2, NM_001287247.2); c.530A>T, p.Asp177Val (NM_001287248.2); short protein forms D552V, D177V.
Identifiers: ClinVar variation 4746454 (VCV004746454.1).
Genomic context (GRCh38, chr15:90,761,028, plus strand): 5'-ATCAGAATAAACATACTGCTTCAATAAATGACTTAGAAAGAGAAACCCAACCTTCCTATG[A>T]TATTGATAATTTTGACATAGATGACTTTGATGATGATGATGACTGGGAAGACATAATGCA-3'
Protein context (NP_000048.1, residues 542-562): DLERETQPSY[Asp552Val]IDNFDIDDFD

ClinVar aggregate classification (germline): Uncertain significance (1 of 4 stars; one submission).

Conditions:
Bloom syndrome (BLM). Also called: Bloom-Torre-Machacek syndrome. Identifiers: Orphanet 125, MedGen C0005859, MONDO:0008876, OMIM 210900.

Submission:

Labcorp Genetics (formerly Invitae), Labcorp
Classification: Uncertain significance for Bloom syndrome. Last evaluated: 2025-09-19. Review status: criteria provided, single submitter. Criteria: Invitae Variant Classification Sherloc (09022015). Collection method: clinical testing. Allele origin: germline.
Comment: This sequence change replaces aspartic acid, which is acidic and polar, with valine, which is neutral and non-polar, at codon 552 of the BLM protein (p.Asp552Val). This variant is not present in population databases (gnomAD no frequency). This variant has not been reported in the literature in individuals affected with BLM-related conditions. Invitae Evidence Modeling of protein sequence and biophysical properties (such as structural, functional, and spatial information, amino acid conservation, physicochemical variation, residue mobility, and thermodynamic stability) indicates that this missense variant is not expected to disrupt BLM protein function with a negative predictive value of 80%. In summary, the available evidence is currently insufficient to determine the role of this variant in disease. Therefore, it has been classified as a Variant of Uncertain Significance.